The following is an entry in ClinVar:

NM_017780.4(CHD7):c.3990-1G>A

Gene: CHD7 (chromodomain helicase DNA binding protein 7; plus strand). Cytogenetic location: 8q12.2.
Variant type: single nucleotide variant.
Coding change: c.3990-1G>A on transcript NM_017780.4 (MANE Select); the canonical splice acceptor site of the intron before coding-DNA position 3990, G replaced by A.
Molecular consequence: splice acceptor variant. On other transcripts: intron variant (1).
Genome position (GRCh38, 1-based): chr8:60,836,816, G>A. VCF-style: chr8-60836816-G-A. GRCh37 (hg19) VCF-style: chr8-61749375-G-A.
Other names: c.1717-25413G>A (NM_001316690.1).
Identifiers: ClinVar variation 3345795 (VCV003345795.1).

ClinVar aggregate classification (germline): Pathogenic (0 of 4 stars; one submission).

Conditions:
CHD7-related disorder. Also called: CHD7-related condition.

Submission:

PreventionGenetics, part of Exact Sciences
Classification: Pathogenic for CHD7-related condition. Last evaluated: 2024-09-24. Review status: no assertion criteria provided. Collection method: clinical testing. Allele origin: germline.
Comment: The CHD7 c.3990-1G>A variant is predicted to disrupt the AG splice acceptor site and interfere with normal splicing. This variant has been reported as a de novo occurrence in an individual with CHARGE syndrome (Bilan et al. 2012. PubMed ID: 22033296). This variant has not been reported in a large population database, indicating this variant is rare. Variants that disrupt the consensus splice acceptor site in CHD7 are expected to be pathogenic. This variant is interpreted as pathogenic.